The following is an entry in ClinVar:

ClinVar aggregate classification (germline): Uncertain significance (1 of 4 stars; one submission).

gnomAD v4.1: 3 of 1,614,022 alleles (0.00019%); highest among the groups gnomAD compares: East Asian, 0.0045%; no homozygotes.

Submission:

Women's Health and Genetics/Laboratory Corporation of America, LabCorp
Classification: Uncertain significance. Last evaluated: 2025-01-21. Review status: criteria provided, single submitter. Criteria: LabCorp Variant Classification Summary - May 2015. Collection method: clinical testing. Allele origin: germline.
Comment: Variant summary: AMHR2 c.796G>C (p.Gly266Arg) results in a non-conservative amino acid change located in the protein kinase domain (IPR000719) of the encoded protein sequence. Four of five in-silico tools predict a damaging effect of the variant on protein function. The variant allele was found at a frequency of 4e-06 in 251222 control chromosomes (gnomAD). c.796G>C has been reported in the literature in a homozygous individual affected with persistent mullerian duct syndrome (Yuves Picard_2017). These data indicate that the variant may be associated with disease. To our knowledge, no experimental evidence demonstrating an impact on protein function has been reported. The following publication has been ascertained in the context of this evaluation (PMID: 28528332). No submitters have cited clinical-significance assessments for this variant to ClinVar. Based on the evidence outlined above, the variant was classified as VUS-possibly pathogenic.

Literature cited by the submitters: PubMed 28528332.

NM_020547.3(AMHR2):c.796G>C (p.Gly266Arg)

Gene: AMHR2 (anti-Mullerian hormone receptor type 2; plus strand). Cytogenetic location: 12q13.13.
Variant type: single nucleotide variant.
Coding change: c.796G>C on transcript NM_020547.3 (MANE Select); coding-DNA position 796, G replaced by C.
Protein change: p.Gly266Arg; replaces glycine 266 with arginine.
Molecular consequence: missense variant.
Genome position (GRCh38, 1-based): chr12:53,425,863, G>C. VCF-style: chr12-53425863-G-C. GRCh37 (hg19) VCF-style: chr12-53819647-G-C.
Other names: c.796G>C, p.Gly266Arg (NM_001164690.2, NM_001164691.2); short protein forms G266R.
Identifiers: ClinVar variation 3769493 (VCV003769493.2).
Genomic context (GRCh38, chr12:53,425,863, plus strand): 5'-TTGTACGAACTTCCAGGCCTACAGCACGACCACATTGTCCGATTTATCACTGCCAGCCGG[G>C]GGGGTCCTGGCCGCCTGCTCTCTGGGCCCCTGCTGGTACTGGAACTGCATCCCAAGGTGA-3'
Protein context (NP_065434.1, residues 256-276): HIVRFITASR[Gly266Arg]GPGRLLSGPL